The following is an entry in ClinVar:

ClinVar aggregate classification (germline): Uncertain significance. Review status: criteria provided, multiple submitters, no conflicts (2 of 4 stars). 2 submissions from 2 submitters: Uncertain significance (2). Last evaluated 2025-04-01.

Allele frequency attached by ClinVar (database versions not stated): gnomAD 0.00003; ExAC 0.00001; TOPMed 0.00002; gnomAD exomes below 0.00001.
gnomAD v4.1: 6 of 1,614,074 alleles (0.00037%); highest among the groups gnomAD compares: African/African-American, 0.008%; no homozygotes.

Submissions (2):

Ambry Genetics
Classification: Uncertain significance. Last evaluated: 2025-04-01. Review status: criteria provided, single submitter. Criteria: Ambry Variant Classification Scheme 2023. Collection method: clinical testing. Allele origin: germline.

Labcorp Genetics (formerly Invitae), Labcorp
Classification: Uncertain significance. Last evaluated: 2021-10-15. Review status: criteria provided, single submitter. Criteria: Invitae Variant Classification Sherloc (09022015). Collection method: clinical testing. Allele origin: germline.
Comment: This sequence change replaces threonine with isoleucine at codon 1818 of the CCDC88A protein (p.Thr1818Ile). The threonine residue is moderately conserved and there is a moderate physicochemical difference between threonine and isoleucine. This variant is present in population databases (rs756430923, ExAC 0.01%). This variant has not been reported in the literature in individuals affected with CCDC88A-related conditions. Algorithms developed to predict the effect of missense changes on protein structure and function are either unavailable or do not agree on the potential impact of this missense change (SIFT: "Deleterious"; PolyPhen-2: "Benign"; Align-GVGD: "Class C0"). In summary, the available evidence is currently insufficient to determine the role of this variant in disease. Therefore, it has been classified as a Variant of Uncertain Significance.

NM_001365480.1(CCDC88A):c.5456C>T (p.Thr1819Ile)

Gene: CCDC88A (coiled-coil domain containing 88A; minus strand). Cytogenetic location: 2p16.1.
Variant type: single nucleotide variant.
Coding change: c.5456C>T on transcript NM_001365480.1 (MANE Select); coding-DNA position 5456, C replaced by T.
Protein change: p.Thr1819Ile; replaces threonine 1819 with isoleucine.
Molecular consequence: missense variant.
Genome position (GRCh38, 1-based): chr2:55,295,692, G>A on the plus strand (C>T on the coding strand, the complement: CCDC88A is on the minus strand). VCF-style: chr2-55295692-G-A. GRCh37 (hg19) VCF-style: chr2-55522828-G-A.
Other names: c.5453C>T, p.Thr1818Ile (NM_001135597.2); c.5231C>T, p.Thr1744Ile (NM_001254943.2); c.5372C>T, p.Thr1791Ile (NM_018084.5); c.5453C>T (NM_001135597.1); short protein forms T1818I, T1744I, T1819I, T1791I.
Identifiers: ClinVar variation 1400361 (VCV001400361.4), dbSNP rs756430923, ClinGen allele CA1665321.